The following is an entry in ClinVar:

ClinVar aggregate classification (germline): Likely benign (1 of 4 stars; one submission).

Conditions:
UCP3-related disorder. Also called: UCP3-related condition.

gnomAD v4.1: 8 of 1,613,658 alleles (0.0005%); highest among the groups gnomAD compares: Non-Finnish European, 0.00068%; no homozygotes.

Submission:

PreventionGenetics, part of Exact Sciences
Classification: Likely benign for UCP3-related condition. Last evaluated: 2026-06-29. Review status: criteria provided, single submitter. Criteria: ACMG Guidelines, 2015. Collection method: clinical testing. Allele origin: germline.
Comment: This variant is classified as likely benign based on ACMG/AMP sequence variant interpretation guidelines (Richards et al. 2015 PMID: 25741868, with internal and published modifications).

NM_003356.4(UCP3):c.552C>G (p.Pro184=)

Genes: UCP3 (uncoupling protein 3; minus strand), LOC126861261 (MED14-independent group 3 enhancer GRCh37_chr11:73715060-73716259; plus strand). Cytogenetic location: 11q13.4.
Variant type: single nucleotide variant.
Coding change: c.552C>G on transcript NM_003356.4 (MANE Select); coding-DNA position 552, C replaced by G.
Protein change: p.Pro184=; no amino-acid change (proline 184 retained).
Molecular consequence: synonymous variant.
Genome position (GRCh38, 1-based): chr11:74,004,575, G>C on the plus strand (C>G on the coding strand, the complement: UCP3 is on the minus strand). VCF-style: chr11-74004575-G-C. GRCh37 (hg19) VCF-style: chr11-73715620-G-C.
Other names: c.552C>G, p.Pro184= (NM_022803.3).
Identifiers: ClinVar variation 5002412 (VCV005002412.1).